The following is an entry in ClinVar:

NM_025103.4(IFT74):c.1075A>G (p.Lys359Glu)

Gene: IFT74 (intraflagellar transport 74; plus strand). Cytogenetic location: 9p21.2.
Variant type: single nucleotide variant.
Coding change: c.1075A>G on transcript NM_025103.4 (MANE Select); coding-DNA position 1075, A replaced by G.
Protein change: p.Lys359Glu; replaces lysine 359 with glutamic acid.
Molecular consequence: missense variant.
Genome position (GRCh38, 1-based): chr9:27,044,762, A>G. VCF-style: chr9-27044762-A-G. GRCh37 (hg19) VCF-style: chr9-27044760-A-G.
Other names: c.1075A>G, p.Lys359Glu (NM_001099222.3, NM_001099223.3, NM_001349928.2); short protein forms K359E.
Identifiers: ClinVar variation 1922579 (VCV001922579.2), dbSNP rs2489660509, ClinGen allele CA373124269.
Genomic context (GRCh38, chr9:27,044,762, plus strand): 5'-CAATTTTTGAAATTCATGTTGTATTTTATATCTCTCATAGGTGAAATGAACCAGAAATAC[A>G]AGGAGCTAAAGAAAAGGGAGGAACATATGGACAGTAAGTGATATTCTTGTAGATATAAAA-3'
Protein context (NP_079379.2, residues 349-369): EHQGEMNQKY[Lys359Glu]ELKKREEHMD

ClinVar aggregate classification (germline): Uncertain significance (1 of 4 stars; one submission).

Allele frequency attached by ClinVar (database versions not stated): gnomAD exomes below 0.00001.
gnomAD v4.1: 1 of 1,568,486 alleles (0.000064%); highest among the groups gnomAD compares: Admixed American, 0.0018%; no homozygotes.

Submission:

Labcorp Genetics (formerly Invitae), Labcorp
Classification: Uncertain significance. Last evaluated: 2022-09-07. Review status: criteria provided, single submitter. Criteria: Invitae Variant Classification Sherloc (09022015). Collection method: clinical testing. Allele origin: germline.
Comment: This sequence change replaces lysine, which is basic and polar, with glutamic acid, which is acidic and polar, at codon 359 of the IFT74 protein (p.Lys359Glu). This variant is not present in population databases (gnomAD no frequency). This variant has not been reported in the literature in individuals affected with IFT74-related conditions. Algorithms developed to predict the effect of missense changes on protein structure and function (SIFT, PolyPhen-2, Align-GVGD) all suggest that this variant is likely to be tolerated. In summary, the available evidence is currently insufficient to determine the role of this variant in disease. Therefore, it has been classified as a Variant of Uncertain Significance.